The following is an entry in ClinVar:

NM_001330736.2(ZNF518A):c.2094A>G (p.Ala698=)

Gene: ZNF518A (zinc finger protein 518A; plus strand). Cytogenetic location: 10q24.1.
Variant type: single nucleotide variant.
Coding change: c.2094A>G on transcript NM_001330736.2 (MANE Select); coding-DNA position 2094, A replaced by G.
Protein change: p.Ala698=; no amino-acid change (alanine 698 retained).
Molecular consequence: synonymous variant.
Genome position (GRCh38, 1-based): chr10:96,158,416, A>G. VCF-style: chr10-96158416-A-G. GRCh37 (hg19) VCF-style: chr10-97918173-A-G.
Other names: c.2094A>G, p.Ala698= (NM_001278524.2, NM_001278525.2, NM_001330732.2 and 6 more transcripts); c.504A>G, p.Ala168= (NM_001278526.2).
Identifiers: ClinVar variation 2640726 (VCV002640726.24), dbSNP rs150286125, ClinGen allele CA5622724.
Genomic context (GRCh38, chr10:96,158,416, plus strand): 5'-TAGTGAATCATTTTTATCACTAGTGAGGCAGGAGAGCTCAAAACCAGATAGCCTATTAGC[A>G]TCTATTAGCCTTTTAAATGATAAAGATGGAACTTTAAAAGCAAAATCTGAAATTGAAGAA-3'
Protein context (NP_001317665.1, residues 688-708): QESSKPDSLL[Ala698=]SISLLNDKDG

ClinVar aggregate classification (germline): Likely benign (1 of 4 stars; one submission).

Allele frequency attached by ClinVar (database versions not stated): ESP Exome Variant Server 0.00008; gnomAD exomes 0.00011; gnomAD 0.00020; TOPMed 0.00023; ExAC 0.00027; 1000 Genomes Project 0.00040; 1000 Genomes Project 30x 0.00047.
gnomAD v4.1: 204 of 1,613,566 alleles (0.013%); highest among the groups gnomAD compares: East Asian, 0.24%; no homozygotes.

Submission:

CeGaT Center for Human Genetics Tuebingen
Classification: Likely benign. Last evaluated: 2022-06-01. Review status: criteria provided, single submitter. Criteria: CeGaT Center For Human Genetics Tuebingen Variant Classification Criteria Version 2. Collection method: clinical testing. Allele origin: germline. Affected: yes. Observed: 1 variant allele.
Comment: ZNF518A: BP4, BP7